The following is an entry in ClinVar:

NM_018006.5(TRMU):c.516_517insACTGTCTCTTATA (p.Gln173fs)

Gene: TRMU (tRNA mitochondrial 2-thiouridylase; plus strand). Cytogenetic location: 22q13.31.
Variant type: Insertion.
Coding change: c.516_517insACTGTCTCTTATA on transcript NM_018006.5 (MANE Select); coding-DNA positions 516 to 517, ACTGTCTCTTATA inserted.
Protein change: p.Gln173fs; shifts the reading frame from glutamine 173.
Molecular consequence: frameshift variant. On other transcripts: intron variant (2).
Genome position: GRCh38 VCF-style: chr22-46350328-C-CACTGTCTCTTATA. GRCh37 (hg19) VCF-style: chr22-46746225-C-CACTGTCTCTTATA.
Other names: c.174_175insACTGTCTCTTATA, p.Gln59fs (NM_001282782.2); c.516_517insACTGTCTCTTATA, p.Gln173fs (NM_001282785.2); c.118-22_118-21insACTGTCTCTTATA (NM_001282783.2, NM_001282784.2); short protein forms Q173fs, Q59fs.
Identifiers: ClinVar variation 5011104 (VCV005011104.1).

ClinVar aggregate classification (germline): Pathogenic (1 of 4 stars; one submission).

Conditions:
Acute infantile liver failure due to synthesis defect of mtDNA-encoded proteins. Also called: Liver failure acute infantile; LIVER FAILURE, INFANTILE, TRANSIENT; TRMU Deficiency. Identifiers: Orphanet 217371, MedGen C3278664, MONDO:0013111, OMIM 613070.

Submission:

Myriad Genetics, Inc.
Classification: Pathogenic for Acute infantile liver failure due to synthesis defect of mtDNA-encoded proteins. Last evaluated: 2024-05-14. Review status: criteria provided, single submitter. Criteria: Myriad Autosomal Dominant, Autosomal Recessive and X-Linked Classification Criteria (2023). Collection method: clinical testing. Allele origin: unknown.
Comment: NM_018006.4(TRMU):c.516_517ins13(Q173Tfs*38) is expected to be pathogenic in the context of acute liver failure, TRMU-related. This variant is predicted to lead to an abnormal or absent protein product due to the creation of a premature termination codon in TRMU, a gene where loss-of-function variants are known to be pathogenic. Please note: this variant was assessed in the context of healthy population screening.